The following is an entry in ClinVar:

ClinVar aggregate classification (germline): Uncertain significance. Review status: criteria provided, multiple submitters, no conflicts (2 of 4 stars). 2 submissions from 2 submitters: Uncertain significance (2). Last evaluated 2025-01-25.

Conditions:
Hereditary cancer-predisposing syndrome. Also called: Hereditary neoplastic syndrome; Tumor predisposition; Hereditary Cancer Syndrome; Neoplastic Syndromes, Hereditary. Identifiers: Orphanet 140162, MedGen C0027672, MeSH D009386, MONDO:0015356.
Ataxia-telangiectasia syndrome (AT). Also called: Ataxia telangiectasia (A-T); LOUIS-BAR SYNDROME; Cerebello-oculocutaneous telangiectasia; Immunodeficiency with ataxia telangiectasia; AT, COMPLEMENTATION GROUP C; Ataxia-telangiectasia, complementation group D. Identifiers: Orphanet 100, MedGen C0004135, MONDO:0008840, OMIM 208900.

Submissions (2):

Ambry Genetics
Classification: Uncertain significance for Hereditary cancer-predisposing syndrome. Last evaluated: 2025-01-25. Review status: criteria provided, single submitter. Criteria: Ambry Variant Classification Scheme 2023. Collection method: clinical testing. Allele origin: germline.
Comment: The c.1898+5_1898+6delGTinsAA intronic variant begins 5 nucleotides after coding exon 11 in the ATM gene. This variant results from a deletion of GT and insertion of AA at positions c.1898+5 to 1898+6. This nucleotide region is highly conserved in available vertebrate species. In silico splice site analysis predicts that this alteration will not have any significant effect on splicing. Based on the available evidence, the clinical significance of this variant remains unclear.

Labcorp Genetics (formerly Invitae), Labcorp
Classification: Uncertain significance for Ataxia-telangiectasia syndrome. Last evaluated: 2024-10-09. Review status: criteria provided, single submitter. Criteria: Invitae Variant Classification Sherloc (09022015). Collection method: clinical testing. Allele origin: germline.
Comment: This sequence change falls in intron 12 of the ATM gene. It does not directly change the encoded amino acid sequence of the ATM protein. It affects a nucleotide within the consensus splice site. Information on the frequency of this variant in the gnomAD database is not available, as this variant may be reported differently in the database. This variant has not been reported in the literature in individuals affected with ATM-related conditions. ClinVar contains an entry for this variant (Variation ID: 1424953). Variants that disrupt the consensus splice site are a relatively common cause of aberrant splicing (PMID: 17576681, 9536098). In summary, the available evidence is currently insufficient to determine the role of this variant in disease. Therefore, it has been classified as a Variant of Uncertain Significance.

Literature cited by the submitters: PubMed 17576681 (cited by Labcorp Genetics (formerly Invitae), Labcorp); PubMed 9536098 (cited by Labcorp Genetics (formerly Invitae), Labcorp).

NM_000051.4(ATM):c.1898+5_1898+6delinsAA

Gene: ATM (ATM serine/threonine kinase; plus strand). Cytogenetic location: 11q22.3.
Variant type: Indel.
Coding change: c.1898+5_1898+6delinsAA on transcript NM_000051.4 (MANE Select); bases 5 to 6 of the intron after coding-DNA position 1898, GT replaced by AA.
Molecular consequence: intron variant.
Genome position (GRCh38, 1-based): chr11:108,252,917-108,252,918, GT replaced by AA. VCF-style: chr11-108252917-GT-AA. GRCh37 (hg19) VCF-style: chr11-108123644-GT-AA.
Other names: c.1898+5_1898+6delinsAA (NM_001351834.2); c.1898+5_1898+6delGTinsAA (NM_000051.3).
Identifiers: ClinVar variation 1424953 (VCV001424953.6), dbSNP rs2135355386, ClinGen allele CA2573146742.
Genomic context (GRCh38, chr11:108,252,917, plus strand): 5'-CTCACTATGAAAAACTGTAAAGCTGCAATGAATTTTTTCCAAAGCGTGCCAGAATGGTAT[GT>AA]TATCTAATAATGCTCTTTATCATTTTAAGCTATAGCTTTAATTACAAAGATGATAATTTT-3'